The following is an entry in ClinVar:

NM_006662.3(SRCAP):c.6649C>T (p.Pro2217Ser)

Gene: SRCAP (Snf2 related CREBBP activator protein; plus strand). Cytogenetic location: 16p11.2.
Variant type: single nucleotide variant.
Coding change: c.6649C>T on transcript NM_006662.3 (MANE Select); coding-DNA position 6649, C replaced by T.
Protein change: p.Pro2217Ser; replaces proline 2217 with serine.
Molecular consequence: missense variant.
Genome position (GRCh38, 1-based): chr16:30,734,535, C>T. VCF-style: chr16-30734535-C-T. GRCh37 (hg19) VCF-style: chr16-30745856-C-T.
Other names: short protein forms P2217S.
Identifiers: ClinVar variation 3388460 (VCV003388460.15).
Genomic context (GRCh38, chr16:30,734,535, plus strand): 5'-TCCCTCTGTTCTATCCGATAGCAGACCATCCGAGAGCTGTTTGATATGCCCCTGGAGGAA[C>T]CTTCTAGCTCATCCGTGCCCTCTGCCCCTGAAGAGGAGGAAGAGACTGTGGCCAGCAAGC-3'
Protein context (NP_006653.2, residues 2207-2227): RELFDMPLEE[Pro2217Ser]SSSSVPSAPE

ClinVar aggregate classification (germline): Likely benign. Review status: criteria provided, multiple submitters, no conflicts (2 of 4 stars). 2 submissions from 2 submitters: Likely benign (2). Last evaluated 2024-10-01.

Conditions:
Developmental delay, hypotonia, musculoskeletal defects, and behavioral abnormalities. Identifiers: MedGen C5562012, MONDO:0859202, OMIM 619595.
Floating-Harbor syndrome (FLHS). Also called: Short stature with delayed bone age, expressive language delay, a triangular face with a prominent nose and deep-set eyes; Pelletier-Leisti syndrome; SRCAP-Related Floating-Harbor Syndrome. Identifiers: Orphanet 2044, MedGen C0729582, MONDO:0007621, OMIM 136140.

gnomAD v4.1: 22 of 1,613,798 alleles (0.0014%); highest among the groups gnomAD compares: Middle Eastern, 0.049%; no homozygotes.

Submissions (2):

CeGaT Center for Human Genetics Tuebingen
Classification: Likely benign. Last evaluated: 2024-10-01. Review status: criteria provided, single submitter. Criteria: CeGaT Center For Human Genetics Tuebingen Variant Classification Criteria Version 2. Collection method: clinical testing. Allele origin: germline. Affected: yes. Observed: 1 variant allele.
Comment: SRCAP: BP4

Fulgent Genetics
Classification: Likely benign for Floating-Harbor syndrome; Developmental delay, hypotonia, musculoskeletal defects, and behavioral abnormalities. Last evaluated: 2024-02-08. Review status: criteria provided, single submitter. Criteria: ACMG Guidelines, 2015. Collection method: clinical testing. Allele origin: germline.